The following is an entry in ClinVar:

ClinVar aggregate classification (germline): Uncertain significance. Review status: criteria provided, multiple submitters, no conflicts (2 of 4 stars). 2 submissions from 2 submitters: Uncertain significance (2). Last evaluated 2025-12-08.

Conditions:
Inborn genetic diseases. Identifiers: MedGen C0950123, MeSH D030342.
Short-rib thoracic dysplasia 6 with or without polydactyly (SRTD6). Also called: Majewski Syndrome; POLYDACTYLY WITH NEONATAL CHONDRODYSTROPHY, TYPE II; SHORT RIB-POLYDACTYLY SYNDROME, TYPE IIA; SHORT-RIB THORACIC DYSPLASIA 6 WITH POLYDACTYLY; SHORT-RIB THORACIC DYSPLASIA 6 WITHOUT POLYDACTYLY. Identifiers: MedGen C0024507, MONDO:0009894, OMIM 263520.

Allele frequency attached by ClinVar (database versions not stated): ExAC below 0.00001; TOPMed below 0.00001; gnomAD exomes 0.00002.
gnomAD v4.1: 30 of 1,610,882 alleles (0.0019%); highest among the groups gnomAD compares: Non-Finnish European, 0.0023%; no homozygotes.

Submissions (2):

Ambry Genetics
Classification: Uncertain significance for Inborn genetic diseases. Last evaluated: 2025-12-08. Review status: criteria provided, single submitter. Criteria: Ambry Variant Classification Scheme 2023. Collection method: clinical testing. Allele origin: germline.
Comment: The c.1877A>T (p.K626M) alteration is located in exon 21 (coding exon 20) of the NEK1 gene. This alteration results from a A to T substitution at nucleotide position 1877, causing the lysine (K) at amino acid position 626 to be replaced by a methionine (M). Based on data from gnomAD, the T allele has an overall frequency of <0.001% (0/247150) total alleles studied. The highest observed frequency was <0.001% (/) of alleles. Based on insufficient or conflicting evidence, the clinical significance of this alteration remains unclear.

Illumina Laboratory Services, Illumina
Classification: Uncertain significance for Short-rib thoracic dysplasia 6 with or without polydactyly. Last evaluated: 2018-01-13. Review status: criteria provided, single submitter. Criteria: ICSL Variant Classification Criteria 13 December 2019. Collection method: clinical testing. Allele origin: germline.

NM_001199397.3(NEK1):c.1961A>T (p.Lys654Met)

Gene: NEK1 (NIMA related kinase 1; minus strand). Cytogenetic location: 4q33.
Variant type: single nucleotide variant.
Coding change: c.1961A>T on transcript NM_001199397.3 (MANE Select); coding-DNA position 1961, A replaced by T.
Protein change: p.Lys654Met; replaces lysine 654 with methionine.
Molecular consequence: missense variant. On other transcripts: non-coding transcript variant (1), intron variant (1).
Genome position (GRCh38, 1-based): chr4:169,507,083, T>A on the plus strand (A>T on the coding strand, the complement: NEK1 is on the minus strand). VCF-style: chr4-169507083-T-A. GRCh37 (hg19) VCF-style: chr4-170428234-T-A.
Other names: c.1829A>T, p.Lys610Met (NM_001199398.3); c.1670A>T, p.Lys557Met (NM_001199399.3); c.1745A>T, p.Lys582Met (NM_001199400.3); c.1961A>T, p.Lys654Met (NM_001374418.1); c.1877A>T, p.Lys626Met (NM_001374419.1, NM_012224.4); c.1826A>T, p.Lys609Met (NM_001374420.1); c.1701+632A>T (NM_001374421.1); short protein forms K610M, K626M, K557M, K582M, K609M, K654M.
Identifiers: ClinVar variation 902348 (VCV000902348.5), dbSNP rs767789905, ClinGen allele CA3137556.